The following is an entry in ClinVar:

NM_017807.4(OSGEP):c.411+13C>T

Genes: OSGEP (O-sialoglycoprotein endopeptidase; minus strand), LOC107372315 (OSGEP/APEX1 bi-directional promoter region; plus strand). Cytogenetic location: 14q11.2.
Variant type: single nucleotide variant.
Coding change: c.411+13C>T on transcript NM_017807.4 (MANE Select); 13 bases into the intron after coding-DNA position 411, C replaced by T.
Molecular consequence: intron variant.
Genome position (GRCh38, 1-based): chr14:20,451,961, G>A on the plus strand (C>T on the coding strand, the complement: OSGEP is on the minus strand). VCF-style: chr14-20451961-G-A. GRCh37 (hg19) VCF-style: chr14-20920120-G-A.
Other names: c.411+13C>T (NM_017807.3).
Identifiers: ClinVar variation 3606054 (VCV003606054.3).

ClinVar aggregate classification (germline): Likely benign. Review status: criteria provided, multiple submitters, no conflicts (2 of 4 stars). 2 submissions from 2 submitters: Likely benign (2). Last evaluated 2024-12-19.

Conditions:
OSGEP-related disorder. Also called: OSGEP-related condition.

gnomAD v4.1: 26 of 1,577,076 alleles (0.0016%); highest among the groups gnomAD compares: African/African-American, 0.022%; no homozygotes.

Submissions (2):

PreventionGenetics, part of Exact Sciences
Classification: Likely benign for OSGEP-related condition. Last evaluated: 2024-12-19. Review status: criteria provided, single submitter. Criteria: ACMG Guidelines, 2015. Collection method: clinical testing. Allele origin: germline.
Comment: This variant is classified as likely benign based on ACMG/AMP sequence variant interpretation guidelines (Richards et al. 2015 PMID: 25741868, with internal and published modifications).

Labcorp Genetics (formerly Invitae), Labcorp
Classification: Likely benign. Last evaluated: 2024-08-12. Review status: criteria provided, single submitter. Criteria: Invitae Variant Classification Sherloc (09022015). Collection method: clinical testing. Allele origin: germline.